The following is an entry in ClinVar:

NM_017570.5(OPLAH):c.3457_3458del (p.Ser1153fs)

Gene: OPLAH (5-oxoprolinase, ATP-hydrolysing; minus strand). Cytogenetic location: 8q24.3.
Variant type: Microsatellite.
Coding change: c.3457_3458del on transcript NM_017570.5 (MANE Select); coding-DNA positions 3457 to 3458, 2 bases deleted (AG; older notation c.3457_3458delAG).
Protein change: p.Ser1153fs; shifts the reading frame from serine 1153.
Molecular consequence: frameshift variant.
Genome position (GRCh38, 1-based): chr8:144,052,172-144,052,173, CT deleted on the plus strand (AG on the coding strand, the reverse complement: OPLAH is on the minus strand); deleting any 2 consecutive bases within chr8:144,052,172-144,052,176 gives the same sequence; the c. name uses the placement nearest the transcript's 3' end. VCF-style (leftmost placement, unchanged base first): chr8-144052171-GCT-G. GRCh37 (hg19) VCF-style: chr8-145107074-GCT-G.
Other names: c.3457_3458delAG (NM_017570.4); short protein forms S1153fs.
Identifiers: ClinVar variation 3607909 (VCV003607909.3).
Genomic context (GRCh38, chr8:144,052,171, plus strand): 5'-TGGCCCGAGCCCCGGCTCCCACCCGGCCGTGCCCCCAGCCTCCGCGCACGCCGCTCACCG[GCT>G]CTCCAGGATCTCAGGGTCGGTGATGCGTGTGTTGGTCATGTGGCTGTGCACACCGCTGCG-3'

ClinVar aggregate classification (germline): Pathogenic/Likely pathogenic. Review status: criteria provided, multiple submitters, no conflicts (2 of 4 stars). 2 submissions from 2 submitters: Pathogenic (1); Likely pathogenic (1). Last evaluated 2025-08-24.

Conditions:
OPLAH-related disorder. Also called: OPLAH-related condition.
5-Oxoprolinase deficiency (OPLAHD). Also called: 5-OXOPROLINURIA DUE TO 5-OXOPROLINASE DEFICIENCY. Identifiers: Orphanet 33572, MedGen C0268525, MONDO:0009825, OMIM 260005, HP:0040142.

Submissions (2):

PreventionGenetics, part of Exact Sciences
Classification: Likely pathogenic for OPLAH-related condition. Last evaluated: 2025-08-24. Review status: criteria provided, single submitter. Criteria: ACMG Guidelines, 2015. Collection method: clinical testing. Allele origin: germline.
Comment: The OPLAH c.3457_3458delAG variant is predicted to result in a frameshift and premature protein termination (p.Ser1153Profs*35). This variant has not been reported in the literature. This variant is reported in 0.0011% of alleles in individuals of European (Non-Finnish) descent in gnomAD. Frameshift variants in OPLAH are expected to be pathogenic. This variant is interpreted as likely pathogenic.

Labcorp Genetics (formerly Invitae), Labcorp
Classification: Pathogenic for 5-Oxoprolinase deficiency. Last evaluated: 2024-04-14. Review status: criteria provided, single submitter. Criteria: Invitae Variant Classification Sherloc (09022015). Collection method: clinical testing. Allele origin: germline.
Comment: This sequence change creates a premature translational stop signal (p.Ser1153Profs*35) in the OPLAH gene. It is expected to result in an absent or disrupted protein product. Loss-of-function variants in OPLAH are known to be pathogenic (PMID: 21651516, 27477828). This variant is present in population databases (rs782749010, gnomAD 0.001%). This variant has not been reported in the literature in individuals affected with OPLAH-related conditions. For these reasons, this variant has been classified as Pathogenic.

Literature cited by the submitters: PubMed 21651516 (cited by Labcorp Genetics (formerly Invitae), Labcorp); PubMed 27477828 (cited by Labcorp Genetics (formerly Invitae), Labcorp).